The following is an entry in ClinVar:

NM_005908.4(MANBA):c.2473G>T (p.Ala825Ser)

Gene: MANBA (mannosidase beta; minus strand). Cytogenetic location: 4q24.
Variant type: single nucleotide variant.
Coding change: c.2473G>T on transcript NM_005908.4 (MANE Select); coding-DNA position 2473, G replaced by T.
Protein change: p.Ala825Ser; replaces alanine 825 with serine.
Molecular consequence: missense variant.
Genome position (GRCh38, 1-based): chr4:102,632,224, C>A on the plus strand (G>T on the coding strand, the complement: MANBA is on the minus strand). VCF-style: chr4-102632224-C-A. GRCh37 (hg19) VCF-style: chr4-103553381-C-A.
Other names: short protein forms A825S.
Identifiers: ClinVar variation 1630351 (VCV001630351.8), dbSNP rs182869272, ClinGen allele CA3026604.

ClinVar aggregate classification (germline): Benign/Likely benign. Review status: criteria provided, multiple submitters, no conflicts (2 of 4 stars). 2 submissions from 2 submitters: Benign (1); Likely benign (1). Last evaluated 2026-08-01.

Conditions:
Beta-D-mannosidosis (MANSB). Also called: Beta-Mannosidosis; MANNOSIDOSIS, BETA A, LYSOSOMAL; BETA-MANNOSIDASE DEFICIENCY; LYSOSOMAL BETA-MANNOSIDASE DEFICIENCY. Identifiers: Orphanet 118, MedGen C4048196, MONDO:0009562, OMIM 248510.

Allele frequency attached by ClinVar (database versions not stated): 1000 Genomes Project 0.00040; 1000 Genomes Project 30x 0.00047.
gnomAD v4.1: 168 of 1,613,666 alleles (0.01%); highest among the groups gnomAD compares: East Asian, 0.33%; no homozygotes.

Submissions (2):

CeGaT Center for Human Genetics Tuebingen
Classification: Likely benign. Last evaluated: 2026-08-01. Review status: criteria provided, single submitter. Criteria: CeGaT Center For Human Genetics Tuebingen Variant Classification Criteria Version 2. Collection method: clinical testing. Allele origin: germline. Affected: yes. Observed: 1 variant allele.
Comment: MANBA: BP4

Labcorp Genetics (formerly Invitae), Labcorp
Classification: Benign for Beta-D-mannosidosis. Last evaluated: 2026-01-28. Review status: criteria provided, single submitter. Criteria: Invitae Variant Classification Sherloc (09022015). Collection method: clinical testing. Allele origin: germline.